The following is an entry in ClinVar:

NM_019842.4(KCNQ5):c.2101A>G (p.Thr701Ala)

Gene: KCNQ5 (potassium voltage-gated channel subfamily Q member 5; plus strand). Cytogenetic location: 6q13.
Variant type: single nucleotide variant.
Coding change: c.2101A>G on transcript NM_019842.4 (MANE Select); coding-DNA position 2101, A replaced by G.
Protein change: p.Thr701Ala; replaces threonine 701 with alanine.
Molecular consequence: missense variant.
Genome position (GRCh38, 1-based): chr6:73,194,716, A>G. VCF-style: chr6-73194716-A-G. GRCh37 (hg19) VCF-style: chr6-73904439-A-G.
Other names: c.2074A>G, p.Thr692Ala (NM_001160130.2); c.2131A>G, p.Thr711Ala (NM_001160132.2); c.2158A>G, p.Thr720Ala (NM_001160133.2); c.1771A>G, p.Thr591Ala (NM_001160134.2); short protein forms T591A, T692A, T701A, T711A, T720A.
Identifiers: ClinVar variation 3629287 (VCV003629287.2).
Genomic context (GRCh38, chr6:73,194,716, plus strand): 5'-AGTGCCAACATCTCGAGAGGCCTGCAGTTCATTCTGACGCCAAATGAGTTCAGTGCCCAG[A>G]CTTTCTACGCGCTTAGCCCTACTATGCACAGTCAAGCAACACAGGTGCCAATTAGTCAAA-3'
Protein context (NP_062816.2, residues 691-711): ILTPNEFSAQ[Thr701Ala]FYALSPTMHS

ClinVar aggregate classification (germline): Uncertain significance (1 of 4 stars; one submission).

gnomAD v4.1: 13 of 1,614,256 alleles (0.00081%); highest among the groups gnomAD compares: South Asian, 0.0011%; no homozygotes.

Submission:

Labcorp Genetics (formerly Invitae), Labcorp
Classification: Uncertain significance. Last evaluated: 2024-06-10. Review status: criteria provided, single submitter. Criteria: Invitae Variant Classification Sherloc (09022015). Collection method: clinical testing. Allele origin: germline.
Comment: This sequence change replaces threonine, which is neutral and polar, with alanine, which is neutral and non-polar, at codon 720 of the KCNQ5 protein (p.Thr720Ala). This variant is present in population databases (rs775446970, gnomAD 0.02%). This variant has not been reported in the literature in individuals affected with KCNQ5-related conditions. Advanced modeling of protein sequence and biophysical properties (such as structural, functional, and spatial information, amino acid conservation, physicochemical variation, residue mobility, and thermodynamic stability) performed at Invitae indicates that this missense variant is not expected to disrupt KCNQ5 protein function with a negative predictive value of 95%. In summary, the available evidence is currently insufficient to determine the role of this variant in disease. Therefore, it has been classified as a Variant of Uncertain Significance.